The following is an entry in ClinVar:

NM_000057.4(BLM):c.1808C>A (p.Ala603Asp)

Gene: BLM (BLM RecQ like helicase; plus strand). Cytogenetic location: 15q26.1.
Variant type: single nucleotide variant.
Coding change: c.1808C>A on transcript NM_000057.4 (MANE Select); coding-DNA position 1808, C replaced by A.
Protein change: p.Ala603Asp; replaces alanine 603 with aspartic acid.
Molecular consequence: missense variant.
Genome position (GRCh38, 1-based): chr15:90,761,181, C>A. VCF-style: chr15-90761181-C-A. GRCh37 (hg19) VCF-style: chr15-91304411-C-A.
Other names: c.1808C>A, p.Ala603Asp (NM_001287246.2, NM_001287247.2); c.683C>A, p.Ala228Asp (NM_001287248.2); short protein forms A228D, A603D.
Identifiers: ClinVar variation 1517669 (VCV001517669.8), dbSNP rs1567041486, ClinGen allele CA393843884.

ClinVar aggregate classification (germline): Uncertain significance (1 of 4 stars; one submission).

Conditions:
Bloom syndrome (BLM). Also called: Bloom-Torre-Machacek syndrome. Identifiers: Orphanet 125, MedGen C0005859, MONDO:0008876, OMIM 210900.

Submission:

Labcorp Genetics (formerly Invitae), Labcorp
Classification: Uncertain significance for Bloom syndrome. Last evaluated: 2021-05-04. Review status: criteria provided, single submitter. Criteria: Invitae Variant Classification Sherloc (09022015). Collection method: clinical testing. Allele origin: germline.
Comment: In summary, the available evidence is currently insufficient to determine the role of this variant in disease. Therefore, it has been classified as a Variant of Uncertain Significance. Algorithms developed to predict the effect of missense changes on protein structure and function (SIFT, PolyPhen-2, Align-GVGD) all suggest that this variant is likely to be tolerated, but these predictions have not been confirmed by published functional studies and their clinical significance is uncertain. This variant has not been reported in the literature in individuals with BLM-related conditions. This variant is not present in population databases (ExAC no frequency). This sequence change replaces alanine with aspartic acid at codon 603 of the BLM protein (p.Ala603Asp). The alanine residue is weakly conserved and there is a moderate physicochemical difference between alanine and aspartic acid.